The following is an entry in ClinVar:

NM_004656.4(BAP1):c.1523del (p.Arg508fs)

Gene: BAP1 (BRCA1 associated deubiquitinase 1; minus strand). Cytogenetic location: 3p21.1.
Variant type: Deletion.
Coding change: c.1523del on transcript NM_004656.4 (MANE Select); coding-DNA position 1523, one base deleted (G; older notation c.1523delG).
Protein change: p.Arg508fs; shifts the reading frame from arginine 508.
Molecular consequence: frameshift variant.
Genome position (GRCh38, 1-based): chr3:52,403,622, C deleted on the plus strand (G on the coding strand, the reverse complement: BAP1 is on the minus strand). VCF-style (leftmost placement, unchanged base first): chr3-52403621-GC-G. GRCh37 (hg19) VCF-style: chr3-52437637-GC-G.
Other names: c.1469delG, p.Arg490Profs (NM_001410772.1); short protein forms R508fs.
Identifiers: ClinVar variation 1774477 (VCV001774477.2), dbSNP rs2471328461, ClinGen allele CA2580070228.

ClinVar aggregate classification (germline): Pathogenic (1 of 4 stars; one submission).

Conditions:
Hereditary cancer-predisposing syndrome. Also called: Hereditary Cancer Syndrome; Hereditary neoplastic syndrome; Neoplastic Syndromes, Hereditary; Tumor predisposition. Identifiers: Orphanet 140162, MedGen C0027672, MeSH D009386, MONDO:0015356.

Submission:

Ambry Genetics
Classification: Pathogenic for Hereditary cancer-predisposing syndrome. Last evaluated: 2020-02-26. Review status: criteria provided, single submitter. Criteria: Ambry Variant Classification Scheme 2023. Collection method: clinical testing. Allele origin: germline.
Comment: The c.1523delG pathogenic mutation, located in coding exon 13 of the BAP1 gene, results from a deletion of one nucleotide at nucleotide position 1523, causing a translational frameshift with a predicted alternate stop codon (p.R508Pfs*63). This alteration is expected to result in loss of function by premature protein truncation or nonsense-mediated mRNA decay. As such, this alteration is interpreted as a disease-causing mutation.